The following is an entry in ClinVar:

ClinVar aggregate classification (germline): Uncertain significance (1 of 4 stars; one submission).

Conditions:
Immunodeficiency 35 (IMD35). Also called: Susceptibility to infection due to TYK2 deficiency; TYK2 DEFICIENCY; HIES WITH ATYPICAL MYCOBACTERIOSIS, AUTOSOMAL RECESSIVE; HYPER-IgE SYNDROME WITH ATYPICAL MYCOBACTERIOSIS, AUTOSOMAL RECESSIVE. Identifiers: Orphanet 331226, MedGen C1969086, MONDO:0012682, OMIM 611521.

Allele frequency attached by ClinVar (database versions not stated): gnomAD exomes below 0.00001; ExAC 0.00002.
gnomAD v4.1: 2 of 1,613,022 alleles (0.00012%); highest among the groups gnomAD compares: East Asian, 0.0045%; no homozygotes.

Submission:

Labcorp Genetics (formerly Invitae), Labcorp
Classification: Uncertain significance for Immunodeficiency 35. Last evaluated: 2019-03-07. Review status: criteria provided, single submitter. Criteria: Invitae Variant Classification Sherloc (09022015). Collection method: clinical testing. Allele origin: germline.
Comment: In summary, the available evidence is currently insufficient to determine the role of this variant in disease. Therefore, it has been classified as a Variant of Uncertain Significance. Algorithms developed to predict the effect of missense changes on protein structure and function output the following: SIFT: "Tolerated"; PolyPhen-2: "Benign"; Align-GVGD: "Class C0". The glutamine amino acid residue is found in multiple mammalian species, suggesting that this missense change does not adversely affect protein function. These predictions have not been confirmed by published functional studies and their clinical significance is uncertain. This variant has not been reported in the literature in individuals with TYK2-related conditions. This variant is present in population databases (rs745552967, ExAC 0.02%). This sequence change replaces histidine with glutamine at codon 872 of the TYK2 protein (p.His872Gln). The histidine residue is weakly conserved and there is a small physicochemical difference between histidine and glutamine.

NM_003331.5(TYK2):c.2616C>G (p.His872Gln)

Gene: TYK2 (tyrosine kinase 2; minus strand). Cytogenetic location: 19p13.2.
Variant type: single nucleotide variant.
Coding change: c.2616C>G on transcript NM_003331.5 (MANE Select); coding-DNA position 2616, C replaced by G.
Protein change: p.His872Gln; replaces histidine 872 with glutamine.
Molecular consequence: missense variant.
Genome position (GRCh38, 1-based): chr19:10,356,569, G>C on the plus strand (C>G on the coding strand, the complement: TYK2 is on the minus strand). VCF-style: chr19-10356569-G-C. GRCh37 (hg19) VCF-style: chr19-10467245-G-C.
Other names: short protein forms H872Q.
Identifiers: ClinVar variation 843980 (VCV000843980.8), dbSNP rs745552967, ClinGen allele CA9193002.